The following is an entry in ClinVar:

NM_001127649.3(PEX26):c.48G>A (p.Gly16=)

Gene: PEX26 (peroxisomal biogenesis factor 26; plus strand). Cytogenetic location: 22q11.21.
Variant type: single nucleotide variant.
Coding change: c.48G>A on transcript NM_001127649.3 (MANE Select); coding-DNA position 48, G replaced by A.
Protein change: p.Gly16=; no amino-acid change (glycine 16 retained).
Molecular consequence: synonymous variant.
Genome position (GRCh38, 1-based): chr22:18,078,424, G>A. VCF-style: chr22-18078424-G-A. GRCh37 (hg19) VCF-style: chr22-18561190-G-A.
Other names: c.48G>A (NM_017929.5); c.48G>A, p.Gly16= (NM_001199319.2, NM_017929.6).
Identifiers: ClinVar variation 1990243 (VCV001990243.5), dbSNP rs764244307, ClinGen allele CA513184720.

ClinVar aggregate classification (germline): Likely benign. Review status: criteria provided, multiple submitters, no conflicts (2 of 4 stars). 2 submissions from 2 submitters: Likely benign (2). Last evaluated 2026-02-17.

Conditions:
Peroxisome biogenesis disorder 7A (Zellweger). Also called: Peroxisome biogenesis disorder 7A. Identifiers: Orphanet 912, MedGen C3888385, MONDO:0013938, OMIM 614872.
Peroxisome biogenesis disorder 7B (PBD7B). Identifiers: Orphanet 44, MedGen C3553951, MONDO:0013939, OMIM 614873.
PEX26-related disorder. Also called: PEX26-related condition.

gnomAD v4.1: 2 of 1,591,234 alleles (0.00013%); highest among the groups gnomAD compares: East Asian, 0.0023%; no homozygotes.

Submissions (2):

PreventionGenetics, part of Exact Sciences
Classification: Likely benign for PEX26-related condition. Last evaluated: 2026-02-17. Review status: criteria provided, single submitter. Criteria: ACMG Guidelines, 2015. Collection method: clinical testing. Allele origin: germline.
Comment: This variant is classified as likely benign based on ACMG/AMP sequence variant interpretation guidelines (Richards et al. 2015 PMID: 25741868, with internal and published modifications).

Labcorp Genetics (formerly Invitae), Labcorp
Classification: Likely benign for Peroxisome biogenesis disorder 7A (Zellweger); Peroxisome biogenesis disorder 7B. Last evaluated: 2024-09-27. Review status: criteria provided, single submitter. Criteria: Invitae Variant Classification Sherloc (09022015). Collection method: clinical testing. Allele origin: germline.